The following is an entry in ClinVar:

NM_000038.6(APC):c.5239A>G (p.Met1747Val)

Gene: APC (APC regulator of Wnt signaling pathway; plus strand). Cytogenetic location: 5q22.2.
Variant type: single nucleotide variant.
Coding change: c.5239A>G on transcript NM_000038.6 (MANE Select); coding-DNA position 5239, A replaced by G.
Protein change: p.Met1747Val; replaces methionine 1747 with valine.
Molecular consequence: missense variant.
Genome position (GRCh38, 1-based): chr5:112,840,833, A>G. VCF-style: chr5-112840833-A-G. GRCh37 (hg19) VCF-style: chr5-112176530-A-G.
Other names: c.5239A>G, p.Met1747Val (NM_001354895.2, NM_001127510.3, NM_001407450.1); c.5293A>G, p.Met1765Val (NM_001354896.2, NM_001407447.1, NM_001407448.1 and 1 more transcripts); c.5185A>G, p.Met1729Val (NM_001127511.3); c.5269A>G, p.Met1757Val (NM_001354897.2); c.5164A>G, p.Met1722Val (NM_001354898.2); c.5155A>G, p.Met1719Val (NM_001354899.2); c.5116A>G, p.Met1706Val (NM_001354900.2); c.5062A>G, p.Met1688Val (NM_001354901.2, NM_001407453.1); and 11 more; short protein forms M1363V, M1656V, M1706V, M1719V, M1757V, M1621V, M1664V, M1722V.
Identifiers: ClinVar variation 1996496 (VCV001996496.4), dbSNP rs2149935496, ClinGen allele CA16032784.

ClinVar aggregate classification (germline): Uncertain significance (1 of 4 stars; one submission).

Conditions:
Familial adenomatous polyposis 1 (FAP1). Also called: FAMILIAL ADENOMATOUS POLYPOSIS 1, ATTENUATED; POLYPOSIS, ADENOMATOUS INTESTINAL. Identifiers: MedGen C2713442, MONDO:0021056, OMIM 175100. Disease mechanism: loss of function.

Submission:

Labcorp Genetics (formerly Invitae), Labcorp
Classification: Uncertain significance for Familial adenomatous polyposis 1. Last evaluated: 2022-05-19. Review status: criteria provided, single submitter. Criteria: Invitae Variant Classification Sherloc (09022015). Collection method: clinical testing. Allele origin: germline.
Comment: Algorithms developed to predict the effect of missense changes on protein structure and function (SIFT, PolyPhen-2, Align-GVGD) all suggest that this variant is likely to be tolerated. In summary, the available evidence is currently insufficient to determine the role of this variant in disease. Therefore, it has been classified as a Variant of Uncertain Significance. This variant has not been reported in the literature in individuals affected with APC-related conditions. This variant is not present in population databases (gnomAD no frequency). This sequence change replaces methionine, which is neutral and non-polar, with valine, which is neutral and non-polar, at codon 1747 of the APC protein (p.Met1747Val).